The following is an entry in ClinVar:

ClinVar aggregate classification (germline): Conflicting classifications of pathogenicity. Review status: criteria provided, conflicting classifications (1 of 4 stars). 3 submissions from 3 submitters: Likely pathogenic (1); Uncertain significance (2). Last evaluated 2025-02-19.

Conditions:
Brown-Vialetto-van Laere syndrome 2. Also called: SPINOCEREBELLAR ATAXIA WITH BLINDNESS AND DEAFNESS 2; Riboflavin transporter deficiency type 2. Identifiers: Orphanet 572543, Orphanet 97229, MedGen C3553538, MONDO:0013867, OMIM 614707.

Allele frequency attached by ClinVar (database versions not stated): ExAC 0.00001; gnomAD exomes 0.00001 and 0.00003; TOPMed 0.00002; gnomAD 0.00004.
gnomAD v4.1: 44 of 1,613,680 alleles (0.0027%); highest among the groups gnomAD compares: Non-Finnish European, 0.0036%; no homozygotes.

Submissions (3):

Mayo Clinic Laboratories, Mayo Clinic
Classification: Uncertain significance. Last evaluated: 2025-02-19. Review status: criteria provided, single submitter. Criteria: ACMG Guidelines, 2015. Collection method: clinical testing. Allele origin: germline. Observed: 1 variant allele.
Comment: PP3, PM2_supporting

Labcorp Genetics (formerly Invitae), Labcorp
Classification: Uncertain significance for Brown-Vialetto-van Laere syndrome 2. Last evaluated: 2022-07-06. Review status: criteria provided, single submitter. Criteria: Invitae Variant Classification Sherloc (09022015). Collection method: clinical testing. Allele origin: germline.
Comment: This sequence change replaces cysteine, which is neutral and slightly polar, with glycine, which is neutral and non-polar, at codon 126 of the SLC52A2 protein (p.Cys126Gly). This variant is present in population databases (rs781903086, gnomAD 0.003%). This variant has not been reported in the literature in individuals affected with SLC52A2-related conditions. ClinVar contains an entry for this variant (Variation ID: 246564). Advanced modeling of protein sequence and biophysical properties (such as structural, functional, and spatial information, amino acid conservation, physicochemical variation, residue mobility, and thermodynamic stability) performed at Invitae indicates that this missense variant is expected to disrupt SLC52A2 protein function. In summary, the available evidence is currently insufficient to determine the role of this variant in disease. Therefore, it has been classified as a Variant of Uncertain Significance.

GeneDx
Classification: Likely pathogenic. Last evaluated: 2022-02-23. Review status: criteria provided, single submitter. Criteria: GeneDx Variant Classification Process June 2021. Collection method: clinical testing. Allele origin: germline. Affected: yes.
Comment: Not observed at a significant frequency in large population cohorts (gnomAD); Has not been previously published as pathogenic or benign to our knowledge; In silico analysis supports that this missense variant has a deleterious effect on protein structure/function

NM_001363118.2(SLC52A2):c.376T>G (p.Cys126Gly)

Gene: SLC52A2 (solute carrier family 52 member 2; plus strand). Cytogenetic location: 8q24.3.
Variant type: single nucleotide variant.
Coding change: c.376T>G on transcript NM_001363118.2 (MANE Select); coding-DNA position 376, T replaced by G.
Protein change: p.Cys126Gly; replaces cysteine 126 with glycine.
Molecular consequence: missense variant. On other transcripts: non-coding transcript variant (1), intron variant (1).
Genome position (GRCh38, 1-based): chr8:144,359,868, T>G. VCF-style: chr8-144359868-T-G. GRCh37 (hg19) VCF-style: chr8-145583528-T-G.
Other names: p.Cys126Gly; c.376T>G, p.Cys126Gly (NM_001253815.2, NM_001253816.2, NM_001363120.2 and 2 more transcripts); c.131-247T>G (NM_001363122.2); short protein forms C126G.
Identifiers: ClinVar variation 246564 (VCV000246564.9), dbSNP rs781903086, ClinGen allele CA4938178.